The following is an entry in ClinVar:

ClinVar aggregate classification (germline): Uncertain significance. Review status: criteria provided, multiple submitters, no conflicts (2 of 4 stars). 2 submissions from 2 submitters: Uncertain significance (2). Last evaluated 2024-12-04.

Conditions:
Hereditary cancer-predisposing syndrome. Also called: Neoplastic Syndromes, Hereditary; Tumor predisposition; Hereditary Cancer Syndrome; Hereditary neoplastic syndrome. Identifiers: Orphanet 140162, MedGen C0027672, MeSH D009386, MONDO:0015356.
Hereditary nonpolyposis colorectal neoplasms. Identifiers: MedGen C0009405, MeSH D003123.

Allele frequency attached by ClinVar (database versions not stated): gnomAD exomes 0.00001 and 0.00002.
gnomAD v4.1: 6 of 554,316 alleles (0.0011%); no homozygotes.

Submissions (2):

Labcorp Genetics (formerly Invitae), Labcorp
Classification: Uncertain significance for Hereditary nonpolyposis colorectal neoplasms. Last evaluated: 2024-12-04. Review status: criteria provided, single submitter. Criteria: Invitae Variant Classification Sherloc (09022015). Collection method: clinical testing. Allele origin: germline.
Comment: This sequence change replaces isoleucine, which is neutral and non-polar, with threonine, which is neutral and polar, at codon 818 of the PMS2 protein (p.Ile818Thr). The frequency data for this variant in the population databases (gnomAD) is considered unreliable due to the presence of homologous sequence, such as pseudogenes or paralogs, in the genome. This missense change has been observed in individual(s) with pancreatic cancer (PMID: 28726808). ClinVar contains an entry for this variant (Variation ID: 186346). Invitae Evidence Modeling incorporating data from in vitro experimental studies (internal data) indicates that this missense variant is not expected to disrupt PMS2 function with a negative predictive value of 95%. In summary, the available evidence is currently insufficient to determine the role of this variant in disease. Therefore, it has been classified as a Variant of Uncertain Significance.

Ambry Genetics
Classification: Uncertain significance for Hereditary cancer-predisposing syndrome. Last evaluated: 2024-08-17. Review status: criteria provided, single submitter. Criteria: Ambry Variant Classification Scheme 2023. Collection method: clinical testing. Allele origin: germline.
Comment: The p.I818T variant (also known as c.2453T>C), located in coding exon 15 of the PMS2 gene, results from a T to C substitution at nucleotide position 2453. The isoleucine at codon 818 is replaced by threonine, an amino acid with similar properties. This alteration has been identified 1/302 individuals with pancreatic cancer and was classified as a variant of unknown significance (Chaffee KG et al. Genet Med, 2018 01;20:119-127). This amino acid position is highly conserved in available vertebrate species. In addition, this alteration is predicted to be deleterious by in silico analysis. Since supporting evidence is limited at this time, the clinical significance of this alteration remains unclear.

Literature cited by the submitters: PubMed 28726808 (cited by Labcorp Genetics (formerly Invitae), Labcorp and Ambry Genetics).

NM_000535.7(PMS2):c.2453T>C (p.Ile818Thr)

Gene: PMS2 (PMS1 homolog 2, mismatch repair system component; minus strand). Cytogenetic location: 7p22.1.
Variant type: single nucleotide variant.
Coding change: c.2453T>C on transcript NM_000535.7 (MANE Select); coding-DNA position 2453, T replaced by C.
Protein change: p.Ile818Thr; replaces isoleucine 818 with threonine.
Molecular consequence: missense variant. On other transcripts: non-coding transcript variant (1).
Genome position (GRCh38, 1-based): chr7:5,973,535, A>G on the plus strand (T>C on the coding strand, the complement: PMS2 is on the minus strand). VCF-style: chr7-5973535-A-G. GRCh37 (hg19) VCF-style: chr7-6013166-A-G.
Other names: c.2486T>C, p.Ile829Thr (NM_001322014.2); c.2144T>C, p.Ile715Thr (NM_001322015.2); c.2048T>C, p.Ile683Thr (NM_001322003.2, NM_001322004.2, NM_001322005.2); c.2297T>C, p.Ile766Thr (NM_001322006.2); c.2135T>C, p.Ile712Thr (NM_001322007.2, NM_001322008.2); c.2081T>C, p.Ile694Thr (NM_001322009.2); c.1892T>C, p.Ile631Thr (NM_001322010.2); c.1520T>C, p.Ile507Thr (NM_001322011.2, NM_001322012.2); and 1 more; short protein forms I818T, I712T, I683T, I694T, I715T, I766T, I829T, I507T.
Identifiers: ClinVar variation 186346 (VCV000186346.12), dbSNP rs786202876, ClinGen allele CA011526.